The following is an entry in ClinVar:

NM_016628.5(WAC):c.970A>T (p.Thr324Ser)

Gene: WAC (WW domain containing adaptor with coiled-coil; plus strand). Cytogenetic location: 10p12.1.
Variant type: single nucleotide variant.
Coding change: c.970A>T on transcript NM_016628.5 (MANE Select); coding-DNA position 970, A replaced by T.
Protein change: p.Thr324Ser; replaces threonine 324 with serine.
Molecular consequence: missense variant.
Genome position (GRCh38, 1-based): chr10:28,608,236, A>T. VCF-style: chr10-28608236-A-T. GRCh37 (hg19) VCF-style: chr10-28897165-A-T.
Other names: c.835A>T, p.Thr279Ser (NM_100264.3); c.661A>T, p.Thr221Ser (NM_100486.4); short protein forms T221S, T279S, T324S.
Identifiers: ClinVar variation 2445941 (VCV002445941.1), dbSNP rs1051835582, ClinGen allele CA204595083.

ClinVar aggregate classification (germline): Uncertain significance (1 of 4 stars; one submission).

Allele frequency attached by ClinVar (database versions not stated): gnomAD 0.00002; TOPMed 0.00002.
gnomAD v4.1: 39 of 1,613,956 alleles (0.0024%); highest among the groups gnomAD compares: Non-Finnish European, 0.0031%; no homozygotes.

Submission:

Women's Health and Genetics/Laboratory Corporation of America, LabCorp
Classification: Uncertain significance. Last evaluated: 2023-02-03. Review status: criteria provided, single submitter. Criteria: LabCorp Variant Classification Summary - May 2015. Collection method: clinical testing. Allele origin: germline.
Comment: Variant summary: WAC c.970A>T (p.Thr324Ser) results in a conservative amino acid change in the encoded protein sequence. Four of five in-silico tools predict a benign effect of the variant on protein function. The variant allele was found at a frequency of 4e-06 in 251406 control chromosomes. The available data on variant occurrences in the general population are insufficient to allow any conclusion about variant significance. To our knowledge, no occurrence of c.970A>T in individuals affected with Desanto-Shinawi Syndrome and no experimental evidence demonstrating its impact on protein function have been reported. No clinical diagnostic laboratories have submitted clinical-significance assessments for this variant to ClinVar after 2014. Based on the evidence outlined above, the variant was classified as uncertain significance.